The following is an entry in ClinVar:

NM_000451.4(SHOX):c.463G>T (p.Gly155Trp)

Genes: SHOX (SHOX homeobox; plus strand), LOC107652445 (meiotic recombination hotspot SHOX; plus strand). Cytogenetic location: Yp11.2.
Variant type: single nucleotide variant.
Coding change: c.463G>T on transcript NM_000451.4 (MANE Select); coding-DNA position 463, G replaced by T.
Protein change: p.Gly155Trp; replaces glycine 155 with tryptophan.
Molecular consequence: missense variant.
Genome position (GRCh38, 1-based): chrX:634,803, G>T. VCF-style: chrX-634803-G-T. GRCh37 (hg19) VCF-style: chrX-595538-G-T.
Other names: c.463G>T, p.Gly155Trp (NM_006883.2); short protein forms G155W.
Identifiers: ClinVar variation 1333546 (VCV001333546.1), dbSNP rs765251991, ClinGen allele CA412231546.

ClinVar aggregate classification (germline): Uncertain significance (1 of 4 stars; one submission).

Conditions:
Leri-Weill dyschondrosteosis (LWD). Also called: DYSCHONDROSTEOSIS; Léri-Weill dyschondrosteosis; Leri-Weill Dyschondrosteosis (LWD). Identifiers: Orphanet 240, MedGen C0265309, MONDO:0007481, OMIM 127300.

Submission:

3billion
Classification: Uncertain significance for Leri-Weill dyschondrosteosis. Last evaluated: 2022-01-03. Review status: criteria provided, single submitter. Criteria: ACMG Guidelines, 2015. Collection method: clinical testing. Allele origin: germline. Affected: yes. Observed: 1 heterozygote.
Comment: A different missense change at the same codon has been reported to be associated with SHOX related disorder (PMID:16597678, PM5_P). In silico tool predictions suggest damaging effect of the variant on gene or gene product (3CNET: 0.917, PP3_P). It is not observed in the gnomAD v2.1.1 dataset (PM2_M). Therefore, this variant is classified as uncertain significance according to the recommendation of ACMG/AMP guideline.

Literature cited by the submitters: PubMed 16597678.